The following is an entry in ClinVar:

NM_002900.3(RBP3):c.625G>A (p.Glu209Lys)

Gene: RBP3 (retinol binding protein 3; plus strand). Cytogenetic location: 10q11.22.
Variant type: single nucleotide variant.
Coding change: c.625G>A on transcript NM_002900.3 (MANE Select); coding-DNA position 625, G replaced by A.
Protein change: p.Glu209Lys; replaces glutamic acid 209 with lysine.
Molecular consequence: missense variant.
Genome position (GRCh38, 1-based): chr10:47,349,109, G>A. VCF-style: chr10-47349109-G-A. GRCh37 (hg19) VCF-style: chr10-48390253-C-T.
Other names: short protein forms E209K.
Identifiers: ClinVar variation 966973 (VCV000966973.8), dbSNP rs148673483, ClinGen allele CA5487740.
Genomic context (GRCh38, chr10:47,349,109, plus strand): 5'-CCAGGGAACACCATCCTGCACGTGGACACTATCTACAACCGCCCCTCCAACACCACCACG[G>A]AGATCTGGACCTTGCCCCAGGTCCTGGGAGAAAGGTACGGTGCCGACAAGGATGTGGTGG-3'
Protein context (NP_002891.1, residues 199-219): IYNRPSNTTT[Glu209Lys]IWTLPQVLGE

ClinVar aggregate classification (germline): Uncertain significance. Review status: criteria provided, multiple submitters, no conflicts (2 of 4 stars). 3 submissions from 3 submitters: Uncertain significance (3). Last evaluated 2025-01-08.

Conditions:
Inborn genetic diseases. Identifiers: MedGen C0950123, MeSH D030342.

Allele frequency attached by ClinVar (database versions not stated): gnomAD exomes 0.00006; ExAC 0.00010; gnomAD 0.00011 and 0.00012; TOPMed 0.00020; ESP Exome Variant Server 0.00031.
gnomAD v4.1: 43 of 1,613,936 alleles (0.0027%); highest among the groups gnomAD compares: African/African-American, 0.033%; no homozygotes.

Submissions (3):

Ambry Genetics
Classification: Uncertain significance for Inborn genetic diseases. Last evaluated: 2025-01-08. Review status: criteria provided, single submitter. Criteria: Ambry Variant Classification Scheme 2023. Collection method: clinical testing. Allele origin: germline.

Blueprint Genetics
Classification: Uncertain significance. Last evaluated: 2024-09-04. Review status: criteria provided, single submitter. Criteria: ACMG Guidelines, 2015. Collection method: clinical testing. Allele origin: germline.

Labcorp Genetics (formerly Invitae), Labcorp
Classification: Uncertain significance. Last evaluated: 2022-08-23. Review status: criteria provided, single submitter. Criteria: Invitae Variant Classification Sherloc (09022015). Collection method: clinical testing. Allele origin: germline.
Comment: This sequence change replaces glutamic acid, which is acidic and polar, with lysine, which is basic and polar, at codon 209 of the RBP3 protein (p.Glu209Lys). This variant is present in population databases (rs148673483, gnomAD 0.04%). This missense change has been observed in individual(s) with retinal dystrophy (Invitae). ClinVar contains an entry for this variant (Variation ID: 966973). Algorithms developed to predict the effect of missense changes on protein structure and function are either unavailable or do not agree on the potential impact of this missense change (SIFT: "Tolerated"; PolyPhen-2: "Probably Damaging"; Align-GVGD: "Class C0"). In summary, the available evidence is currently insufficient to determine the role of this variant in disease. Therefore, it has been classified as a Variant of Uncertain Significance.